The following is an entry in ClinVar:

NM_024072.4(DDX54):c.425C>T (p.Thr142Met)

Gene: DDX54 (DEAD-box helicase 54; minus strand). Cytogenetic location: 12q24.13.
Variant type: single nucleotide variant.
Coding change: c.425C>T on transcript NM_024072.4 (MANE Select); coding-DNA position 425, C replaced by T.
Protein change: p.Thr142Met; replaces threonine 142 with methionine.
Molecular consequence: missense variant.
Genome position (GRCh38, 1-based): chr12:113,179,282, G>A on the plus strand (C>T on the coding strand, the complement: DDX54 is on the minus strand). VCF-style: chr12-113179282-G-A. GRCh37 (hg19) VCF-style: chr12-113617087-G-A.
Other names: c.425C>T, p.Thr142Met (NM_001111322.2); short protein forms T142M.
Identifiers: ClinVar variation 2628659 (VCV002628659.2), dbSNP rs2542042288, ClinGen allele CA386841430.

ClinVar aggregate classification (germline): Uncertain significance (1 of 4 stars; one submission).

Conditions:
DDX54-related disorder. Also called: DDX54-related condition.

Allele frequency attached by ClinVar (database versions not stated): gnomAD exomes 0.00001.
gnomAD v4.1: 22 of 1,613,982 alleles (0.0014%); highest among the groups gnomAD compares: Non-Finnish European, 0.0017%; no homozygotes.

Submission:

PreventionGenetics, part of Exact Sciences
Classification: Uncertain significance for DDX54-related condition. Last evaluated: 2025-05-29. Review status: criteria provided, single submitter. Criteria: ACMG Guidelines, 2015. Collection method: clinical testing. Allele origin: germline.
Comment: The DDX54 c.425C>T variant is predicted to result in the amino acid substitution p.Thr142Met. To our knowledge, this variant has not been reported in the literature or in a large population database, indicating this variant is rare. At this time, the clinical significance of this variant is uncertain due to the absence of conclusive functional and genetic evidence.